The following is an entry in ClinVar:

NM_001148.6(ANK2):c.11200G>T (p.Asp3734Tyr)

Gene: ANK2 (ankyrin 2; plus strand). Cytogenetic location: 4q26.
Variant type: single nucleotide variant.
Coding change: c.11200G>T on transcript NM_001148.6 (MANE Select); coding-DNA position 11200, G replaced by T.
Protein change: p.Asp3734Tyr; replaces aspartic acid 3734 with tyrosine.
Molecular consequence: missense variant.
Genome position (GRCh38, 1-based): chr4:113,367,733, G>T. VCF-style: chr4-113367733-G-T. GRCh37 (hg19) VCF-style: chr4-114288889-G-T.
Other names: c.4918G>T, p.Asp1640Tyr (NM_001127493.3); c.4957G>T, p.Asp1653Tyr (NM_001354225.2); c.4846G>T, p.Asp1616Tyr (NM_001354228.2, NM_001354258.2); c.4924G>T, p.Asp1642Tyr (NM_001354230.2); c.4987G>T, p.Asp1663Tyr (NM_001354231.2, NM_001354242.2); c.4981G>T, p.Asp1661Tyr (NM_001354232.2); c.4942G>T, p.Asp1648Tyr (NM_001354235.2, NM_001354246.2, NM_001354265.2); c.4843G>T, p.Asp1615Tyr (NM_001354236.2); and 35 more; short protein forms D1488Y, D1604Y, D1627Y, D1639Y, D1648Y, D1661Y, D449Y, D832Y.
Identifiers: ClinVar variation 1345118 (VCV001345118.8), dbSNP rs767353282, ClinGen allele CA3052244.
Genomic context (GRCh38, chr4:113,367,733, plus strand): 5'-GAGGAAGACATTTCTGTTGGTTATTCCACTTTTCAGGATGGCGTCCCCAAAACTGAGGGG[G>T]ACAGCTCAGCAACAGCACTCTTTCCCCAAACTCACAAGGAGCAAGTTCAACAGGATTTCT-3'
Protein context (NP_001139.3, residues 3724-3744): FQDGVPKTEG[Asp3734Tyr]SSATALFPQT

ClinVar aggregate classification (germline): Uncertain significance (1 of 4 stars; one submission).

Conditions:
Long QT syndrome (LQTS). Identifiers: MedGen C0023976, MeSH D008133, MONDO:0002442. Disease mechanism: loss of function. Inheritance: Various modes of inheritance.

Allele frequency attached by ClinVar (database versions not stated): gnomAD exomes below 0.00001; ExAC 0.00001.
gnomAD v4.1: 2 of 1,613,360 alleles (0.00012%); highest among the groups gnomAD compares: Non-Finnish European, 0.00017%; no homozygotes.

Submission:

Labcorp Genetics (formerly Invitae), Labcorp
Classification: Uncertain significance for Long QT syndrome. Last evaluated: 2021-04-13. Review status: criteria provided, single submitter. Criteria: Invitae Variant Classification Sherloc (09022015). Collection method: clinical testing. Allele origin: germline.
Comment: The frequency data for this variant in the population databases is considered unreliable, as metrics indicate poor data quality at this position in the ExAC database. In summary, the available evidence is currently insufficient to determine the role of this variant in disease. Therefore, it has been classified as a Variant of Uncertain Significance. Algorithms developed to predict the effect of sequence changes on RNA splicing suggest that this variant may create or strengthen a splice site, but this prediction has not been confirmed by published transcriptional studies. Algorithms developed to predict the effect of missense changes on protein structure and function are either unavailable or do not agree on the potential impact of this missense change (SIFT: "Deleterious"; PolyPhen-2: "Possibly Damaging"; Align-GVGD: "Class C0"). This variant has not been reported in the literature in individuals with ANK2-related conditions. This sequence change replaces aspartic acid with tyrosine at codon 3734 of the ANK2 protein (p.Asp3734Tyr). The aspartic acid residue is moderately conserved and there is a large physicochemical difference between aspartic acid and tyrosine.